The following is an entry in ClinVar:

ClinVar aggregate classification (germline): Pathogenic/Likely pathogenic. Review status: criteria provided, multiple submitters, no conflicts (2 of 4 stars). 2 submissions from 2 submitters: Pathogenic (1); Likely pathogenic (1). Last evaluated 2025-10-20.

Conditions:
Stargardt disease (FFM). Also called: Stargardt's disease; Fundus flavimaculatus. Identifiers: Orphanet 827, MedGen C0271093, MONDO:0019353.
ABCA4-related disorder. Also called: ABCA4-related condition; ABCA4-related disorders. Identifiers: MedGen CN239167.

gnomAD v4.1: 6 of 1,612,942 alleles (0.00037%); highest among the groups gnomAD compares: Non-Finnish European, 0.00051%; no homozygotes.

Submissions (2):

Women's Health and Genetics/Laboratory Corporation of America, LabCorp
Classification: Pathogenic for Stargardt disease. Last evaluated: 2025-10-20. Review status: criteria provided, single submitter. Criteria: LabCorp Variant Classification Summary - May 2015. Collection method: clinical testing. Allele origin: germline.
Comment: Variant summary: ABCA4 c.42C>A (p.Asn14Lys) results in a non-conservative amino acid change in the encoded protein sequence. Algorithms developed to predict the effect of missense changes on protein structure and function all suggest that this variant is likely to be disruptive. The variant was absent in 251456 control chromosomes. c.42C>A has been observed in the presumed compound heterozygous state in multiple individual(s) affected with Stargardt Disease (example, Wang_2021, Liu_2025, Hu_2019, Cornelis_2023, Jiang_2016, Wang_2024). These data indicate that the variant is likely to be associated with disease. To our knowledge, no experimental evidence demonstrating an impact on protein function has been reported. The following publications have been ascertained in the context of this evaluation (PMID: 32845068, 35154257, 35608843, 40244202, 31543898, 35120629, 26780318, 37695977, 37774808, 40225145). No submitters have cited clinical-significance assessments for this variant to ClinVar. Based on the evidence outlined above, the variant was classified as pathogenic.

Blueprint Genetics
Classification: Likely pathogenic for ABCA4-related disorders. Last evaluated: 2022-11-24. Review status: criteria provided, single submitter. Criteria: ACMG Guidelines, 2015. Collection method: clinical testing. Allele origin: germline. Affected: yes. Observed: 3 variant alleles.

Literature cited by the submitters: PubMed 31543898 (cited by Women's Health and Genetics/Laboratory Corporation of America, LabCorp); PubMed 26780318 (cited by Women's Health and Genetics/Laboratory Corporation of America, LabCorp); PubMed 32845068 (cited by Women's Health and Genetics/Laboratory Corporation of America, LabCorp); PubMed 35120629 (cited by Women's Health and Genetics/Laboratory Corporation of America, LabCorp); PubMed 37774808 (cited by Women's Health and Genetics/Laboratory Corporation of America, LabCorp); PubMed 35608843 (cited by Women's Health and Genetics/Laboratory Corporation of America, LabCorp); PubMed 40225145 (cited by Women's Health and Genetics/Laboratory Corporation of America, LabCorp); PubMed 35154257 (cited by Women's Health and Genetics/Laboratory Corporation of America, LabCorp); PubMed 40244202 (cited by Women's Health and Genetics/Laboratory Corporation of America, LabCorp); PubMed 37695977 (cited by Women's Health and Genetics/Laboratory Corporation of America, LabCorp).

NM_000350.3(ABCA4):c.42C>A (p.Asn14Lys)

Gene: ABCA4 (ATP binding cassette subfamily A member 4; minus strand). Cytogenetic location: 1p22.1.
Variant type: single nucleotide variant.
Coding change: c.42C>A on transcript NM_000350.3 (MANE Select); coding-DNA position 42, C replaced by A.
Protein change: p.Asn14Lys; replaces asparagine 14 with lysine.
Molecular consequence: missense variant.
Genome position (GRCh38, 1-based): chr1:94,121,004, G>T on the plus strand (C>A on the coding strand, the complement: ABCA4 is on the minus strand). VCF-style: chr1-94121004-G-T. GRCh37 (hg19) VCF-style: chr1-94586560-G-T.
Other names: c.42C>A, p.Asn14Lys (NM_001425324.1); short protein forms N14K.
Identifiers: ClinVar variation 4687186 (VCV004687186.2).